The following is an entry in ClinVar:

ClinVar aggregate classification (germline): Uncertain significance (1 of 4 stars; one submission).

gnomAD v4.1: 1 of 1,613,644 alleles (0.000062%); highest among the groups gnomAD compares: Non-Finnish European, 0.000085%; no homozygotes.

Submission:

Labcorp Genetics (formerly Invitae), Labcorp
Classification: Uncertain significance. Last evaluated: 2025-04-25. Review status: criteria provided, single submitter. Criteria: Invitae Variant Classification Sherloc (09022015). Collection method: clinical testing. Allele origin: germline.
Comment: This sequence change replaces arginine, which is basic and polar, with threonine, which is neutral and polar, at codon 1319 of the IGF1R protein (p.Arg1319Thr). This variant is not present in population databases (gnomAD no frequency). This variant has not been reported in the literature in individuals affected with IGF1R-related conditions. An algorithm developed to predict the effect of missense changes on protein structure and function (PolyPhen-2) suggests that this variant is likely to be tolerated. In summary, the available evidence is currently insufficient to determine the role of this variant in disease. Therefore, it has been classified as a Variant of Uncertain Significance.

NM_000875.5(IGF1R):c.3956G>C (p.Arg1319Thr)

Gene: IGF1R (insulin like growth factor 1 receptor; plus strand). Cytogenetic location: 15q26.3.
Variant type: single nucleotide variant.
Coding change: c.3956G>C on transcript NM_000875.5 (MANE Select); coding-DNA position 3956, G replaced by C.
Protein change: p.Arg1319Thr; replaces arginine 1319 with threonine.
Molecular consequence: missense variant.
Genome position (GRCh38, 1-based): chr15:98,957,294, G>C. VCF-style: chr15-98957294-G-C. GRCh37 (hg19) VCF-style: chr15-99500523-G-C.
Other names: c.3953G>C, p.Arg1318Thr (NM_001291858.2); short protein forms R1319T, R1318T.
Identifiers: ClinVar variation 4717456 (VCV004717456.1).